The following is an entry in ClinVar:

NM_005476.7(GNE):c.316A>G (p.Ile106Val)

Gene: GNE (glucosamine (UDP-N-acetyl)-2-epimerase/N-acetylmannosamine kinase; minus strand). Cytogenetic location: 9p13.3.
Variant type: single nucleotide variant.
Coding change: c.316A>G on transcript NM_005476.7 (MANE Select); coding-DNA position 316, A replaced by G.
Protein change: p.Ile106Val; replaces isoleucine 106 with valine.
Molecular consequence: missense variant.
Genome position (GRCh38, 1-based): chr9:36,246,331, T>C on the plus strand (A>G on the coding strand, the complement: GNE is on the minus strand). VCF-style: chr9-36246331-T-C. GRCh37 (hg19) VCF-style: chr9-36246328-T-C.
Other names: c.409A>G, p.Ile137Val (NM_001128227.3); c.316A>G, p.Ile106Val (NM_001190383.3, NM_001374797.1); c.139A>G, p.Ile47Val (NM_001190384.3, NM_001190388.2, NM_001374798.1); short protein forms I106V, I47V, I137V.
Identifiers: ClinVar variation 4792812 (VCV004792812.1).

ClinVar aggregate classification (germline): Uncertain significance (1 of 4 stars; one submission).

Conditions:
Sialuria. Also called: SIALURIA, FRENCH TYPE; Sialic Acid Storage Disease. Identifiers: Orphanet 3166, MedGen C0342853, MONDO:0010028, OMIM 269921.
GNE myopathy (NM). Also called: NONAKA DISTAL MYOPATHY; INCLUSION BODY MYOPATHY, HEREDITARY, AUTOSOMAL RECESSIVE; INCLUSION BODY MYOPATHY 2, AUTOSOMAL RECESSIVE; MYOPATHY, DISTAL, WITH OR WITHOUT RIMMED VACUOLES; IBM 2; Inclusion body myopathy autosomal recessive. Identifiers: Orphanet 602, MedGen C1853926, MONDO:0011603, OMIM 605820.

Submission:

Labcorp Genetics (formerly Invitae), Labcorp
Classification: Uncertain significance for Sialuria; GNE myopathy. Last evaluated: 2025-07-02. Review status: criteria provided, single submitter. Criteria: Invitae Variant Classification Sherloc (09022015). Collection method: clinical testing. Allele origin: germline.
Comment: This sequence change replaces isoleucine, which is neutral and non-polar, with valine, which is neutral and non-polar, at codon 137 of the GNE protein (p.Ile137Val). This variant is not present in population databases (gnomAD no frequency). This variant has not been reported in the literature in individuals affected with GNE-related conditions. Invitae Evidence Modeling of protein sequence and biophysical properties (such as structural, functional, and spatial information, amino acid conservation, physicochemical variation, residue mobility, and thermodynamic stability) has been performed for this missense variant. However, the output from this modeling did not meet the statistical confidence thresholds required to predict the impact of this variant on GNE protein function. This variant disrupts the p.Ile137 amino acid residue in GNE. Other variant(s) that disrupt this residue have been observed in individuals with GNE-related conditions (PMID: 21868336, 30390020), which suggests that this may be a clinically significant amino acid residue. In summary, the available evidence is currently insufficient to determine the role of this variant in disease. Therefore, it has been classified as a Variant of Uncertain Significance.

Literature cited by the submitters: PubMed 21868336; PubMed 30390020.